The following is an entry in ClinVar:

NM_000834.5(GRIN2B):c.3077G>A (p.Gly1026Asp)

Gene: GRIN2B (glutamate ionotropic receptor NMDA type subunit 2B; minus strand). Cytogenetic location: 12p13.1.
Variant type: single nucleotide variant.
Coding change: c.3077G>A on transcript NM_000834.5 (MANE Select); coding-DNA position 3077, G replaced by A.
Protein change: p.Gly1026Asp; replaces glycine 1026 with aspartic acid.
Molecular consequence: missense variant.
Genome position (GRCh38, 1-based): chr12:13,564,161, C>T on the plus strand (G>A on the coding strand, the complement: GRIN2B is on the minus strand). VCF-style: chr12-13564161-C-T. GRCh37 (hg19) VCF-style: chr12-13717095-C-T.
Other names: c.3077G>A, p.Gly1026Asp (NM_001413992.1); c.3077G>A (NM_000834.3); short protein forms G1026D.
Identifiers: ClinVar variation 3752257 (VCV003752257.3).

ClinVar aggregate classification (germline): Uncertain significance. Review status: criteria provided, multiple submitters, no conflicts (2 of 4 stars). 2 submissions from 2 submitters: Uncertain significance (2). Last evaluated 2026-01-30.

Conditions:
Developmental and epileptic encephalopathy, 27 (DEE27). Also called: Epileptic encephalopathy, early infantile, 27; GRIN2B-Related Neurodevelopmental Disorder. Identifiers: Orphanet 3451, MedGen C4015316, MONDO:0014505, OMIM 616139.
Intellectual developmental disorder, autosomal dominant 6, with or without seizures. Also called: Intellectual disability, autosomal dominant 6; GRIN2B-related developmental delay, intellectual disability and autism spectrum disorder. Identifiers: Orphanet 589547, MedGen C3151411, MONDO:0013509, OMIM 613970.
Inborn genetic diseases. Identifiers: MedGen C0950123, MeSH D030342.

Submissions (2):

Labcorp Genetics (formerly Invitae), Labcorp
Classification: Uncertain significance for Developmental and epileptic encephalopathy, 27; Intellectual developmental disorder, autosomal dominant 6, with or without seizures. Last evaluated: 2026-01-30. Review status: criteria provided, single submitter. Criteria: Invitae Variant Classification Sherloc (09022015). Collection method: clinical testing. Allele origin: germline.
Comment: This sequence change replaces glycine, which is neutral and non-polar, with aspartic acid, which is acidic and polar, at codon 1026 of the GRIN2B protein (p.Gly1026Asp). This variant is not present in population databases (gnomAD no frequency). This variant has not been reported in the literature in individuals affected with GRIN2B-related conditions. ClinVar contains an entry for this variant (Variation ID: 3752257). Invitae Evidence Modeling of protein sequence and biophysical properties (such as structural, functional, and spatial information, amino acid conservation, physicochemical variation, residue mobility, and thermodynamic stability) has been performed for this missense variant. However, the output from this modeling did not meet the statistical confidence thresholds required to predict the impact of this variant on GRIN2B protein function. In summary, the available evidence is currently insufficient to determine the role of this variant in disease. Therefore, it has been classified as a Variant of Uncertain Significance.

Ambry Genetics
Classification: Uncertain significance for Inborn genetic diseases. Last evaluated: 2025-06-16. Review status: criteria provided, single submitter. Criteria: Ambry Variant Classification Scheme 2023. Collection method: clinical testing. Allele origin: germline.